The following is an entry in ClinVar:

ClinVar aggregate classification (germline): Uncertain significance (1 of 4 stars; one submission).

gnomAD v4.1: 16 of 1,607,256 alleles (0.001%); highest among the groups gnomAD compares: Non-Finnish European, 0.0012%; no homozygotes.

Submission:

Women's Health and Genetics/Laboratory Corporation of America, LabCorp
Classification: Uncertain significance. Last evaluated: 2026-04-22. Review status: criteria provided, single submitter. Criteria: LabCorp Variant Classification Summary - May 2015. Collection method: clinical testing. Allele origin: germline.
Comment: Variant summary: NEBL c.475A>G (p.Ser159Gly) results in a non-conservative amino acid change in the encoded protein sequence. Algorithms developed to predict the effect of missense changes on protein structure and function are either unavailable or do not agree on the potential impact of this missense change. The variant allele was found at a frequency of 8e-06 in 251366 control chromosomes. The available data on variant occurrences in the general population are insufficient to allow any conclusion about variant significance. To our knowledge, no occurrence of c.475A>G in individuals affected with NEBL-related conditions and no experimental evidence demonstrating its impact on protein function have been reported. No submitters have cited clinical-significance assessments for this variant to ClinVar. Based on the evidence outlined above, the variant was classified as uncertain significance.

NM_006393.3(NEBL):c.475A>G (p.Ser159Gly)

Gene: NEBL (nebulette; minus strand). Cytogenetic location: 10p12.31.
Variant type: single nucleotide variant.
Coding change: c.475A>G on transcript NM_006393.3 (MANE Select); coding-DNA position 475, A replaced by G.
Protein change: p.Ser159Gly; replaces serine 159 with glycine.
Molecular consequence: missense variant. On other transcripts: intron variant (9).
Genome position (GRCh38, 1-based): chr10:20,880,799, T>C on the plus strand (A>G on the coding strand, the complement: NEBL is on the minus strand). VCF-style: chr10-20880799-T-C. GRCh37 (hg19) VCF-style: chr10-21169728-T-C.
Other names: c.250-67859A>G (NM_001377326.1, NM_001377327.1, NM_001377328.1); c.358-67859A>G (NM_213569.2, NM_001173484.2, NM_001377322.1); c.301-67859A>G (NM_001377324.1); c.292-67859A>G (NM_001377325.1); c.310-67859A>G (NM_001377323.1); short protein forms S159G.
Identifiers: ClinVar variation 4849162 (VCV004849162.1).